The following is an entry in ClinVar:

ClinVar aggregate classification (germline): Uncertain significance. Review status: criteria provided, multiple submitters, no conflicts (2 of 4 stars). 4 submissions from 4 submitters: Uncertain significance (4). Last evaluated 2025-10-27.

Conditions:
Early-infantile DEE. Also called: Early infantile epileptic encephalopathy with suppression bursts; Ohtahara syndrome; Early infantile epileptic encephalopathy. Identifiers: Orphanet 1934, MedGen C0393706, MONDO:0800491.
Inborn genetic diseases. Identifiers: MedGen C0950123, MeSH D030342.
Developmental and epileptic encephalopathy, 5 (DEE5). Identifiers: Orphanet 3451, MedGen C3150731, MONDO:0013277, OMIM 613477.

Allele frequency attached by ClinVar (database versions not stated): ExAC 0.00001; gnomAD 0.00001; gnomAD exomes 0.00001 and 0.00002; TOPMed 0.00001.
gnomAD v4.1: 10 of 1,614,112 alleles (0.00062%); highest among the groups gnomAD compares: East Asian, 0.0022%; no homozygotes.

Submissions (4):

GeneDx
Classification: Uncertain significance. Last evaluated: 2025-10-27. Review status: criteria provided, single submitter. Criteria: GeneDx Variant Classification Process June 2021. Collection method: clinical testing. Allele origin: germline. Affected: yes.
Comment: In silico analysis supports that this missense variant has a deleterious effect on protein structure/function; Has not been previously published as pathogenic or benign to our knowledge

Labcorp Genetics (formerly Invitae), Labcorp
Classification: Uncertain significance for Early-infantile DEE. Last evaluated: 2024-10-30. Review status: criteria provided, single submitter. Criteria: Invitae Variant Classification Sherloc (09022015). Collection method: clinical testing. Allele origin: germline.
Comment: This sequence change replaces arginine, which is basic and polar, with tryptophan, which is neutral and slightly polar, at codon 1761 of the SPTAN1 protein (p.Arg1761Trp). This variant is present in population databases (rs764247109, gnomAD 0.005%). This variant has not been reported in the literature in individuals affected with SPTAN1-related conditions. ClinVar contains an entry for this variant (Variation ID: 842827). Invitae Evidence Modeling of protein sequence and biophysical properties (such as structural, functional, and spatial information, amino acid conservation, physicochemical variation, residue mobility, and thermodynamic stability) has been performed for this missense variant. However, the output from this modeling did not meet the statistical confidence thresholds required to predict the impact of this variant on SPTAN1 protein function. In summary, the available evidence is currently insufficient to determine the role of this variant in disease. Therefore, it has been classified as a Variant of Uncertain Significance.

Ambry Genetics
Classification: Uncertain significance for Inborn genetic diseases. Last evaluated: 2023-11-13. Review status: criteria provided, single submitter. Criteria: Ambry Variant Classification Scheme 2023. Collection method: clinical testing. Allele origin: germline.

Genome-Nilou Lab
Classification: Uncertain significance for Developmental and epileptic encephalopathy, 5. Last evaluated: 2021-07-15. Review status: criteria provided, single submitter. Criteria: ACMG Guidelines, 2015. Collection method: clinical testing. Allele origin: germline. Affected: no.

NM_001130438.3(SPTAN1):c.5281C>T (p.Arg1761Trp)

Gene: SPTAN1 (spectrin alpha, non-erythrocytic 1; plus strand). Cytogenetic location: 9q34.11.
Variant type: single nucleotide variant.
Coding change: c.5281C>T on transcript NM_001130438.3 (MANE Select); coding-DNA position 5281, C replaced by T.
Protein change: p.Arg1761Trp; replaces arginine 1761 with tryptophan.
Molecular consequence: missense variant.
Genome position (GRCh38, 1-based): chr9:128,615,764, C>T. VCF-style: chr9-128615764-C-T. GRCh37 (hg19) VCF-style: chr9-131378043-C-T.
Other names: c.5206C>T, p.Arg1736Trp (NM_001195532.2); c.5281C>T, p.Arg1761Trp (NM_001363759.2, NM_001375310.1, NM_001375311.2 and 1 more transcripts); c.5221C>T, p.Arg1741Trp (NM_001363765.2, NM_001375314.2); c.5317C>T, p.Arg1773Trp (NM_001375312.2, NM_001375318.1); c.5266C>T, p.Arg1756Trp (NM_003127.4); short protein forms R1736W, R1741W, R1761W, R1756W, R1773W.
Identifiers: ClinVar variation 842827 (VCV000842827.18), dbSNP rs764247109, ClinGen allele CA5265416.